The following is an entry in ClinVar:

ClinVar aggregate classification (germline): Uncertain significance (1 of 4 stars; one submission).

Conditions:
Dilated cardiomyopathy 1JJ (CMD1JJ). Identifiers: Orphanet 154, MedGen C3808935, MONDO:0014095, OMIM 615235.

Submission:

Labcorp Genetics (formerly Invitae), Labcorp
Classification: Uncertain significance for Dilated cardiomyopathy 1JJ. Last evaluated: 2024-12-10. Review status: criteria provided, single submitter. Criteria: Invitae Variant Classification Sherloc (09022015). Collection method: clinical testing. Allele origin: germline.
Comment: This sequence change replaces tyrosine, which is neutral and polar, with cysteine, which is neutral and slightly polar, at codon 229 of the LAMA4 protein (p.Tyr229Cys). This variant is not present in population databases (gnomAD no frequency). This variant has not been reported in the literature in individuals affected with LAMA4-related conditions. Invitae Evidence Modeling of protein sequence and biophysical properties (such as structural, functional, and spatial information, amino acid conservation, physicochemical variation, residue mobility, and thermodynamic stability) has been performed for this missense variant. However, the output from this modeling did not meet the statistical confidence thresholds required to predict the impact of this variant on LAMA4 protein function. In summary, the available evidence is currently insufficient to determine the role of this variant in disease. Therefore, it has been classified as a Variant of Uncertain Significance.

NM_001105206.3(LAMA4):c.686A>G (p.Tyr229Cys)

Gene: LAMA4 (laminin subunit alpha 4; minus strand). Cytogenetic location: 6q21.
Variant type: single nucleotide variant.
Coding change: c.686A>G on transcript NM_001105206.3 (MANE Select); coding-DNA position 686, A replaced by G.
Protein change: p.Tyr229Cys; replaces tyrosine 229 with cysteine.
Molecular consequence: missense variant.
Genome position (GRCh38, 1-based): chr6:112,191,668, T>C on the plus strand (A>G on the coding strand, the complement: LAMA4 is on the minus strand). VCF-style: chr6-112191668-T-C. GRCh37 (hg19) VCF-style: chr6-112512870-T-C.
Other names: c.686A>G, p.Tyr229Cys (NM_001105207.3, NM_002290.5); short protein forms Y229C.
Identifiers: ClinVar variation 3616847 (VCV003616847.2).